The following is an entry in ClinVar:

ClinVar aggregate classification (germline): Benign/Likely benign. Review status: criteria provided, multiple submitters, no conflicts (2 of 4 stars). 14 submissions from 14 submitters: Benign (4); Likely benign (8). 2 of the submissions do not count toward it. Last evaluated 2026-01-26.

Conditions:
VCL-related disorder. Also called: VCL-related condition.
Cardiovascular phenotype. Identifiers: MedGen CN230736.
Cardiomyopathy (CMYO). Also called: Cardiomyopathies. Identifiers: Orphanet 167848, MedGen C0878544, MONDO:0004994, HP:0001638. Inheritance: Various modes of inheritance.
Dilated cardiomyopathy 1W (CMD1W). Identifiers: Orphanet 154, MedGen C1969639, MONDO:0012667, OMIM 611407.

Allele frequency attached by ClinVar (database versions not stated): 1000 Genomes Project 0.00040; ExAC 0.00043; 1000 Genomes Project 30x 0.00078; TOPMed 0.00082; ESP Exome Variant Server 0.00116.
gnomAD v4.1: 230 of 1,568,132 alleles (0.015%); highest among the groups gnomAD compares: African/African-American, 0.3%; no homozygotes.

Submissions (14):

Labcorp Genetics (formerly Invitae), Labcorp
Classification: Likely benign for Dilated cardiomyopathy 1W. Last evaluated: 2026-01-26. Review status: criteria provided, single submitter. Criteria: Invitae Variant Classification Sherloc (09022015). Collection method: clinical testing. Allele origin: germline.

Molecular Diagnostic Laboratory for Inherited Cardiovascular Disease, Montreal Heart Institute
Classification: Likely benign. Last evaluated: 2025-04-09. Review status: criteria provided, single submitter. Criteria: ACMG Guidelines, 2015. Collection method: clinical testing. Allele origin: germline. Affected: no.

PreventionGenetics, part of Exact Sciences
Classification: Likely benign for VCL-related condition. Last evaluated: 2024-12-27. Review status: criteria provided, single submitter. Criteria: ACMG Guidelines, 2015. Collection method: clinical testing. Allele origin: germline.
Comment: This variant is classified as likely benign based on ACMG/AMP sequence variant interpretation guidelines (Richards et al. 2015 PMID: 25741868, with internal and published modifications).

Blueprint Genetics
Classification: Likely benign. Last evaluated: 2024-06-11. Review status: criteria provided, single submitter. Criteria: ACMG Guidelines, 2015. Collection method: clinical testing. Allele origin: germline.

CeGaT Center for Human Genetics Tuebingen
Classification: Benign. Last evaluated: 2022-05-01. Review status: criteria provided, single submitter. Criteria: CeGaT Center For Human Genetics Tuebingen Variant Classification Criteria Version 2. Collection method: clinical testing. Allele origin: germline. Affected: yes. Observed: 1 variant allele.
Comment: VCL: BS1, BS2

ARUP Laboratories, Molecular Genetics and Genomics, ARUP Laboratories
Classification: Likely benign. Last evaluated: 2021-05-07. Review status: criteria provided, single submitter. Criteria: ARUP Molecular Germline Variant Investigation Process 2021. Collection method: clinical testing. Allele origin: germline.

Women's Health and Genetics/Laboratory Corporation of America, LabCorp
Classification: Likely benign. Last evaluated: 2019-11-23. Review status: criteria provided, single submitter. Criteria: LabCorp Variant Classification Summary - May 2015. Collection method: clinical testing. Allele origin: germline.

Ambry Genetics
Classification: Likely benign for Cardiovascular phenotype. Last evaluated: 2018-02-13. Review status: criteria provided, single submitter. Criteria: Ambry Variant Classification Scheme 2023. Collection method: clinical testing. Allele origin: germline.

CHEO Genetics Diagnostic Laboratory, Children's Hospital of Eastern Ontario
Classification: Benign for Cardiomyopathy. Last evaluated: 2017-02-16. Review status: criteria provided, single submitter. Criteria: ACMG Guidelines, 2015. Collection method: clinical testing. Allele origin: germline. Study: Canadian Open Genetics Repository.

GeneDx
Classification: Benign. Last evaluated: 2014-11-05. Review status: criteria provided, single submitter. Criteria: GeneDx Variant Classification (06012015). Collection method: clinical testing. Allele origin: germline. Affected: yes.
Comment: This variant is considered likely benign or benign based on one or more of the following criteria: it is a conservative change, it occurs at a poorly conserved position in the protein, it is predicted to be benign by multiple in silico algorithms, and/or has population frequency not consistent with disease.

Laboratory for Molecular Medicine, Mass General Brigham Personalized Medicine
Classification: Benign. Last evaluated: 2010-02-19. Review status: criteria provided, single submitter. Criteria: LMM Criteria. Collection method: clinical testing. Allele origin: germline. Observed: 2 variant alleles.
Comment: Leu40Leu in Exon 01 of VCL: This variant is not expected to have clinical signif icance because it does not alter an amino acid residue, is not located within th e splice consensus sequence and has been identified in 0.4% (16/3694) of African American chromosomes from a broad population by the NHLBI Exome Sequencing Proj ect (dbSNP rs144080529).

Breakthrough Genomics
Classification: Likely benign. Review status: criteria provided, single submitter. Criteria: ACMG Guidelines, 2015. Collection method: not provided. Allele origin: germline. Inheritance: Autosomal dominant inheritance. Affected: yes.

Clinical Genetics DNA and cytogenetics Diagnostics Lab, Erasmus MC, Erasmus Medical Center
Classification: Likely benign. Review status: no assertion criteria provided. Collection method: clinical testing. Allele origin: germline. Affected: yes. Study: VKGL Data-share Consensus. Not counted in ClinVar's aggregate classification.

Clinical Genetics, Academic Medical Center
Classification: Benign. Review status: no assertion criteria provided. Collection method: clinical testing. Allele origin: germline. Affected: yes. Study: VKGL Data-share Consensus. Not counted in ClinVar's aggregate classification.

NM_014000.3(VCL):c.120C>T (p.Leu40=)

Genes: VCL (vinculin; plus strand), LOC130004109 (ATAC-STARR-seq lymphoblastoid active region 3587; plus strand). Cytogenetic location: 10q22.2.
Variant type: single nucleotide variant.
Coding change: c.120C>T on transcript NM_014000.3 (MANE Select); coding-DNA position 120, C replaced by T.
Protein change: p.Leu40=; no amino-acid change (leucine 40 retained).
Molecular consequence: synonymous variant.
Genome position (GRCh38, 1-based): chr10:73,998,327, C>T. VCF-style: chr10-73998327-C-T. GRCh37 (hg19) VCF-style: chr10-75758085-C-T.
Other names: p.L40L:CTC>CTT; c.120C>T, p.Leu40= (NM_003373.4).
Identifiers: ClinVar variation 166535 (VCV000166535.57), dbSNP rs144080529, ClinGen allele CA179594.